The following is an entry in ClinVar:

ClinVar aggregate classification (germline): Uncertain significance. Review status: criteria provided, multiple submitters, no conflicts (2 of 4 stars). 2 submissions from 2 submitters: Uncertain significance (2). Last evaluated 2025-08-13.

Conditions:
Hereditary cancer-predisposing syndrome. Also called: Neoplastic Syndromes, Hereditary; Hereditary Cancer Syndrome; Hereditary neoplastic syndrome; Tumor predisposition. Identifiers: Orphanet 140162, MedGen C0027672, MeSH D009386, MONDO:0015356.

Allele frequency attached by ClinVar (database versions not stated): TOPMed below 0.00001; ESP Exome Variant Server 0.00008.

Submissions (2):

Labcorp Genetics (formerly Invitae), Labcorp
Classification: Uncertain significance. Last evaluated: 2025-08-13. Review status: criteria provided, single submitter. Criteria: Invitae Variant Classification Sherloc (09022015). Collection method: clinical testing. Allele origin: germline.
Comment: This sequence change replaces methionine, which is neutral and non-polar, with leucine, which is neutral and non-polar, at codon 328 of the FH protein (p.Met328Leu). This variant is present in population databases (rs146816517, gnomAD 0.007%). This variant has not been reported in the literature in individuals affected with FH-related conditions. ClinVar contains an entry for this variant (Variation ID: 2561172). Invitae Evidence Modeling of protein sequence and biophysical properties (such as structural, functional, and spatial information, amino acid conservation, physicochemical variation, residue mobility, and thermodynamic stability) indicates that this missense variant is not expected to disrupt FH protein function with a negative predictive value of 95%. In summary, the available evidence is currently insufficient to determine the role of this variant in disease. Therefore, it has been classified as a Variant of Uncertain Significance.

Ambry Genetics
Classification: Uncertain significance for Hereditary cancer-predisposing syndrome. Last evaluated: 2025-04-22. Review status: criteria provided, single submitter. Criteria: Ambry Variant Classification Scheme 2023. Collection method: clinical testing. Allele origin: germline.
Comment: The p.M328L variant (also known as c.982A>C), located in coding exon 7 of the FH gene, results from an A to C substitution at nucleotide position 982. The methionine at codon 328 is replaced by leucine, an amino acid with highly similar properties. This amino acid position is well conserved in available vertebrate species; however, leucine is the reference amino acid in other vertebrate species. In addition, the in silico prediction for this alteration is inconclusive. Since supporting evidence is limited at this time, the clinical significance of this alteration remains unclear.

NM_000143.4(FH):c.982A>C (p.Met328Leu)

Gene: FH (fumarate hydratase; minus strand). Cytogenetic location: 1q43.
Variant type: single nucleotide variant.
Coding change: c.982A>C on transcript NM_000143.4 (MANE Select); coding-DNA position 982, A replaced by C.
Protein change: p.Met328Leu; replaces methionine 328 with leucine.
Molecular consequence: missense variant.
Genome position (GRCh38, 1-based): chr1:241,504,168, T>G on the plus strand (A>C on the coding strand, the complement: FH is on the minus strand). VCF-style: chr1-241504168-T-G. GRCh37 (hg19) VCF-style: chr1-241667468-T-G.
Other names: short protein forms M328L.
Identifiers: ClinVar variation 2561172 (VCV002561172.6), dbSNP rs146816517, ClinGen allele CA1478564.